The following is an entry in ClinVar:

ClinVar aggregate classification (germline): Uncertain significance (1 of 4 stars; one submission).

Conditions:
Myofibrillar myopathy 3 (MFM3). Also called: Muscular dystrophy, proximal, type 1A; Autosomal dominant spheroid body myopathy. Identifiers: Orphanet 266, Orphanet 268129, MedGen C3714934, MONDO:0012215, OMIM 609200.

gnomAD v4.1: 4 of 1,614,150 alleles (0.00025%); highest among the groups gnomAD compares: Non-Finnish European, 0.00025%; no homozygotes.

Submission:

Labcorp Genetics (formerly Invitae), Labcorp
Classification: Uncertain significance for Myofibrillar myopathy 3. Last evaluated: 2024-07-17. Review status: criteria provided, single submitter. Criteria: Invitae Variant Classification Sherloc (09022015). Collection method: clinical testing. Allele origin: germline.
Comment: This sequence change replaces cysteine, which is neutral and slightly polar, with arginine, which is basic and polar, at codon 47 of the MYOT protein (p.Cys47Arg). This variant is not present in population databases (gnomAD no frequency). This variant has not been reported in the literature in individuals affected with MYOT-related conditions. An algorithm developed to predict the effect of missense changes on protein structure and function (PolyPhen-2) suggests that this variant is likely to be tolerated. In summary, the available evidence is currently insufficient to determine the role of this variant in disease. Therefore, it has been classified as a Variant of Uncertain Significance.

NM_006790.3(MYOT):c.139T>C (p.Cys47Arg)

Genes: MYOT (myotilin; plus strand), PKD2L2-DT (PKD2L2 divergent transcript; minus strand). Cytogenetic location: 5q31.2.
Variant type: single nucleotide variant.
Coding change: c.139T>C on transcript NM_006790.3 (MANE Select); coding-DNA position 139, T replaced by C.
Protein change: p.Cys47Arg; replaces cysteine 47 with arginine.
Molecular consequence: missense variant. On other transcripts: intron variant (2).
Genome position (GRCh38, 1-based): chr5:137,870,790, T>C. VCF-style: chr5-137870790-T-C. GRCh37 (hg19) VCF-style: chr5-137206479-T-C.
Other names: c.-120-87T>C (NM_001300911.2); c.-197+265T>C (NM_001135940.2); short protein forms C47R.
Identifiers: ClinVar variation 3673870 (VCV003673870.2).
Genomic context (GRCh38, chr5:137,870,790, plus strand): 5'-GAAACCTCCAGCTTCTCTAGCCAGACCAAACAGTCTTCCATTATCATCCAGCCCCGCCAG[T>C]GTACAGAGCAAAGATTTTCTGCCTCCTCAACACTGAGCTCTCACATCACCATGTCCTCCT-3'
Protein context (NP_006781.1, residues 37-57): QSSIIIQPRQ[Cys47Arg]TEQRFSASST